The following is an entry in ClinVar:

ClinVar aggregate classification (germline): Uncertain significance (1 of 4 stars; one submission).

Conditions:
Fanconi anemia complementation group O. Also called: RAD51C-Related Fanconi Anemia. Identifiers: Orphanet 84, MedGen C3150653, MONDO:0013248, OMIM 613390.

Submission:

Labcorp Genetics (formerly Invitae), Labcorp
Classification: Uncertain significance for Fanconi anemia complementation group O. Last evaluated: 2023-09-19. Review status: criteria provided, single submitter. Criteria: Invitae Variant Classification Sherloc (09022015). Collection method: clinical testing. Allele origin: unknown.
Comment: This variant results in a copy number gain of the genomic region encompassing exon(s) 8-9 of the RAD51C gene. This region includes the termination codon of the gene. This copy number gain extends beyond the assayed region for this gene and therefore may encompass additional genes. As the precise location of this event is unknown, it may be in tandem or it may be located elsewhere in the genome. This variant has not been reported in the literature in individuals affected with RAD51C-related conditions. Experimental studies and prediction algorithms are not available or were not evaluated, and the functional significance of this variant is currently unknown. In summary, the available evidence is currently insufficient to determine the role of this variant in disease. Therefore, it has been classified as a Variant of Uncertain Significance.

NC_000017.10:g.(?_56809835)_(56811583_?)dup

Gene: RAD51C (RAD51 paralog C; plus strand). Cytogenetic location: 17q22.
Variant type: Duplication.
Identifiers: ClinVar variation 3243092 (VCV003243092.1).